The following is an entry in ClinVar:

NM_004415.4(DSP):c.2759C>T (p.Ser920Phe)

Gene: DSP (desmoplakin; plus strand). Cytogenetic location: 6p24.3.
Variant type: single nucleotide variant.
Coding change: c.2759C>T on transcript NM_004415.4 (MANE Select); coding-DNA position 2759, C replaced by T.
Protein change: p.Ser920Phe; replaces serine 920 with phenylalanine.
Molecular consequence: missense variant.
Genome position (GRCh38, 1-based): chr6:7,576,422, C>T. VCF-style: chr6-7576422-C-T. GRCh37 (hg19) VCF-style: chr6-7576655-C-T.
Other names: c.2759C>T (LRG_423t1); c.2759C>T, p.Ser920Phe (NM_001008844.3, NM_001319034.2); short protein forms S920F.
Identifiers: ClinVar variation 643219 (VCV000643219.6), dbSNP rs1481929065, ClinGen allele CA362682069.

ClinVar aggregate classification (germline): Uncertain significance. Review status: criteria provided, multiple submitters, no conflicts (2 of 4 stars). 2 submissions from 2 submitters: Uncertain significance (2). Last evaluated 2023-12-04.

Conditions:
Cardiomyopathy (CMYO). Also called: Cardiomyopathies. Identifiers: Orphanet 167848, MedGen C0878544, MONDO:0004994, HP:0001638. Inheritance: Various modes of inheritance.
Arrhythmogenic cardiomyopathy with wooly hair and keratoderma. Also called: Dilated cardiomyopathy with woolly hair and keratoderma; Arrhythmogenic cardiomyopathy with woolly hair and keratoderma; PALMOPLANTAR KERATODERMA WITH LEFT VENTRICULAR CARDIOMYOPATHY AND WOOLLY HAIR; Carvajal syndrome. Identifiers: Orphanet 65282, MedGen C1854063, MONDO:0011581, OMIM 605676.
Arrhythmogenic right ventricular dysplasia 8 (ARVD8). Also called: ARRHYTHMOGENIC RIGHT VENTRICULAR DYSPLASIA, FAMILIAL, 8; ARRHYTHMOGENIC RIGHT VENTRICULAR CARDIOMYOPATHY 8; Arrhythmogenic Right Ventricular Dysplasia/Cardiomyopathy 8. Identifiers: MedGen C1843896, MONDO:0011831, OMIM 607450.

Submissions (2):

Color Diagnostics, LLC DBA Color Health
Classification: Uncertain significance for Cardiomyopathy. Last evaluated: 2023-12-04. Review status: criteria provided, single submitter. Criteria: ACMG Guidelines, 2015. Collection method: clinical testing. Allele origin: germline.
Comment: This missense variant replaces serine with phenylalanine at codon 920 of the DSP protein. Computational prediction tools and conservation analyses are inconclusive regarding the impact of this variant on the protein function. Computational splicing tools suggest that this variant may not impact RNA splicing. To our knowledge, functional assays have not been performed for this variant nor has this variant been reported in individuals affected with cardiovascular disorders in the literature. This variant has not been identified in the general population by the Genome Aggregation Database (gnomAD). Available evidence is insufficient to determine the role of this variant in disease conclusively. Therefore, this variant is classified as a Variant of Uncertain Significance.

Labcorp Genetics (formerly Invitae), Labcorp
Classification: Uncertain significance for Dilated cardiomyopathy with woolly hair and keratoderma; Arrhythmogenic right ventricular cardiomyopathy, type 8. Last evaluated: 2018-09-06. Review status: criteria provided, single submitter. Criteria: Invitae Variant Classification Sherloc (09022015). Collection method: clinical testing. Allele origin: germline.
Comment: This sequence change replaces serine with phenylalanine at codon 920 of the DSP protein (p.Ser920Phe). The serine residue is highly conserved and there is a large physicochemical difference between serine and phenylalanine. This variant is not present in population databases (ExAC no frequency). This variant has not been reported in the literature in individuals with DSP-related disease. Algorithms developed to predict the effect of missense changes on protein structure and function are either unavailable or do not agree on the potential impact of this missense change (SIFT: "Tolerated"; PolyPhen-2: "Benign"; Align-GVGD: "Class C0"). In summary, the available evidence is currently insufficient to determine the role of this variant in disease. Therefore, it has been classified as a Variant of Uncertain Significance.